The following is an entry in ClinVar:

NM_006929.5(SKIC2):c.1828C>T (p.Arg610Cys)

Gene: SKIC2 (SKI2 subunit of superkiller complex; plus strand). Cytogenetic location: 6p21.33.
Variant type: single nucleotide variant.
Coding change: c.1828C>T on transcript NM_006929.5 (MANE Select); coding-DNA position 1828, C replaced by T.
Protein change: p.Arg610Cys; replaces arginine 610 with cysteine.
Molecular consequence: missense variant.
Genome position (GRCh38, 1-based): chr6:31,964,093, C>T. VCF-style: chr6-31964093-C-T. GRCh37 (hg19) VCF-style: chr6-31931870-C-T.
Other names: c.1828C>T (NM_006929.4); short protein forms R610C.
Identifiers: ClinVar variation 1523822 (VCV001523822.6), dbSNP rs552856186, ClinGen allele CA3729585.

ClinVar aggregate classification (germline): Uncertain significance. Review status: criteria provided, multiple submitters, no conflicts (2 of 4 stars). 2 submissions from 2 submitters: Uncertain significance (2). Last evaluated 2026-01-12.

Conditions:
Inborn genetic diseases. Identifiers: MedGen C0950123, MeSH D030342.

Allele frequency attached by ClinVar (database versions not stated): gnomAD 0.00001 and 0.00002; gnomAD exomes 0.00001 and 0.00002; TOPMed 0.00001; ExAC 0.00003; 1000 Genomes Project 30x 0.00016; 1000 Genomes Project 0.00020.
gnomAD v4.1: 13 of 1,612,544 alleles (0.00081%); highest among the groups gnomAD compares: South Asian, 0.0033%; no homozygotes.

Submissions (2):

Labcorp Genetics (formerly Invitae), Labcorp
Classification: Uncertain significance. Last evaluated: 2026-01-12. Review status: criteria provided, single submitter. Criteria: Invitae Variant Classification Sherloc (09022015). Collection method: clinical testing. Allele origin: germline.
Comment: This sequence change replaces arginine, which is basic and polar, with cysteine, which is neutral and slightly polar, at codon 610 of the SKIV2L protein (p.Arg610Cys). This variant is present in population databases (rs552856186, gnomAD 0.007%). This variant has not been reported in the literature in individuals affected with SKIV2L-related conditions. ClinVar contains an entry for this variant (Variation ID: 1523822). An algorithm developed to predict the effect of missense changes on protein structure and function (PolyPhen-2) suggests that this variant is likely to be disruptive. In summary, the available evidence is currently insufficient to determine the role of this variant in disease. Therefore, it has been classified as a Variant of Uncertain Significance.

Ambry Genetics
Classification: Uncertain significance for Inborn genetic diseases. Last evaluated: 2025-06-10. Review status: criteria provided, single submitter. Criteria: Ambry Variant Classification Scheme 2023. Collection method: clinical testing. Allele origin: germline.